The following is an entry in ClinVar:

NM_000455.5(STK11):c.1230C>T (p.Ala410=)

Gene: STK11 (serine/threonine kinase 11; plus strand). Cytogenetic location: 19p13.3.
Variant type: single nucleotide variant.
Coding change: c.1230C>T on transcript NM_000455.5 (MANE Select); coding-DNA position 1230, C replaced by T.
Protein change: p.Ala410=; no amino-acid change (alanine 410 retained).
Molecular consequence: synonymous variant.
Genome position (GRCh38, 1-based): chr19:1,226,575, C>T. VCF-style: chr19-1226575-C-T. GRCh37 (hg19) VCF-style: chr19-1226574-C-T.
Identifiers: ClinVar variation 219592 (VCV000219592.25), dbSNP rs864622171, ClinGen allele CA350848.

ClinVar aggregate classification (germline): Conflicting classifications of pathogenicity. Review status: criteria provided, conflicting classifications (1 of 4 stars). 8 submissions from 8 submitters: Uncertain significance (1); Benign (1); Likely benign (5). 1 of the submissions does not count toward it. Last evaluated 2025-03-31.

Conditions:
STK11-related disorder. Also called: STK11-related condition.
Hereditary cancer-predisposing syndrome. Also called: Tumor predisposition; Hereditary neoplastic syndrome; Neoplastic Syndromes, Hereditary; Hereditary Cancer Syndrome. Identifiers: Orphanet 140162, MedGen C0027672, MeSH D009386, MONDO:0015356.
Peutz-Jeghers syndrome (PJS). Also called: POLYPOSIS, HAMARTOMATOUS INTESTINAL; POLYPS-AND-SPOTS SYNDROME; Peutz-Jeghers polyposis; Periorificial lentiginosis syndrome. Identifiers: Orphanet 2869, MedGen C0031269, MeSH D010580, MONDO:0008280, OMIM 175200.

gnomAD v4.1: 17 of 1,584,434 alleles (0.0011%); highest among the groups gnomAD compares: Non-Finnish European, 0.0014%; no homozygotes.

Submissions (8):

Myriad Genetics, Inc.
Classification: Benign for Peutz-Jeghers syndrome. Last evaluated: 2025-03-31. Review status: criteria provided, single submitter. Criteria: Myriad Autosomal Dominant, Autosomal Recessive and X-Linked Classification Criteria (2023). Collection method: clinical testing. Allele origin: unknown.
Comment: This variant is considered benign. This variant is a silent/synonymous amino acid change and it is not expected to impact splicing.

Labcorp Genetics (formerly Invitae), Labcorp
Classification: Likely benign for Peutz-Jeghers syndrome. Last evaluated: 2024-06-23. Review status: criteria provided, single submitter. Criteria: Invitae Variant Classification Sherloc (09022015). Collection method: clinical testing. Allele origin: germline.

All of Us Research Program, National Institutes of Health
Classification: Likely benign for Peutz-Jeghers syndrome. Last evaluated: 2023-12-01. Review status: criteria provided, single submitter. Criteria: ACMG Guidelines, 2015. Collection method: clinical testing. Allele origin: germline. Inheritance: Autosomal dominant inheritance. Observed: 2 variant alleles, 2 heterozygotes.
Comment: This study involves interpretation of variants in research participants for the purpose of population health screening. Participant phenotype was not available at the time of variant classification. Additional details can be found in publication PMID: 35346344, PMCID: PMC8962531

Quest Diagnostics Nichols Institute San Juan Capistrano
Classification: Uncertain significance. Last evaluated: 2023-04-04. Review status: criteria provided, single submitter. Criteria: Quest Diagnostics criteria. Collection method: clinical testing. Allele origin: unknown.
Comment: It has not been reported in large, multi-ethnic general populations. In the published literature, the variant has been reported in an individual with breast cancer (PMID: 30287823 (2018)). Analysis of this variant using software algorithms for the prediction of the effect of nucleotide changes on splicing yielded predictions that this variant does not affect STK11 mRNA splicing . Based on the available information, we are unable to determine the clinical significance of this variant.

Sema4
Classification: Likely benign for Hereditary cancer-predisposing syndrome. Last evaluated: 2021-04-20. Review status: criteria provided, single submitter. Criteria: Sema4 Curation Guidelines. Collection method: curation. Allele origin: germline.

Color Diagnostics, LLC DBA Color Health
Classification: Likely benign for Hereditary cancer-predisposing syndrome. Last evaluated: 2018-04-30. Review status: criteria provided, single submitter. Criteria: ACMG Guidelines, 2015. Collection method: clinical testing. Allele origin: germline.

Ambry Genetics
Classification: Likely benign for Hereditary cancer-predisposing syndrome. Last evaluated: 2016-04-22. Review status: criteria provided, single submitter. Criteria: Ambry Variant Classification Scheme 2023. Collection method: clinical testing. Allele origin: germline.

PreventionGenetics, part of Exact Sciences
Classification: Likely benign for STK11-related condition. Last evaluated: 2022-02-03. Review status: no assertion criteria provided. Collection method: clinical testing. Allele origin: germline. Not counted in ClinVar's aggregate classification.
Comment: This variant is classified as likely benign based on ACMG/AMP sequence variant interpretation guidelines (Richards et al. 2015 PMID: 25741868, with internal and published modifications).

Literature cited by the submitters: PubMed 30287823 (cited by Quest Diagnostics Nichols Institute San Juan Capistrano).